The following is an entry in ClinVar:

ClinVar aggregate classification (germline): Benign. Review status: criteria provided, multiple submitters, no conflicts (2 of 4 stars). 2 submissions from 2 submitters: Benign (2). Last evaluated 2020-10-29.

Allele frequency attached by ClinVar (database versions not stated): gnomAD exomes 0.15321; gnomAD 0.16338 and 0.16701; TOPMed 0.16480; ESP Exome Variant Server 0.16562; ExAC 0.18161; 1000 Genomes Project 30x 0.22439; 1000 Genomes Project 0.22584.
gnomAD v4.1: 225,705 of 1,591,424 alleles (14%); highest among the groups gnomAD compares: East Asian, 25%; 18,168 homozygotes.

Submissions (2):

GeneDx
Classification: Benign. Last evaluated: 2020-10-29. Review status: criteria provided, single submitter. Criteria: GeneDx Variant Classification Process June 2021. Collection method: clinical testing. Allele origin: germline. Affected: yes.
Comment: This variant is associated with the following publications: (PMID: 25641891)

Breakthrough Genomics
Classification: Benign. Review status: criteria provided, single submitter. Criteria: ACMG Guidelines, 2015. Collection method: not provided. Allele origin: germline. Inheritance: Unknown mechanism. Affected: yes.

NM_001376587.1(IFI16):c.2335A>T (p.Thr779Ser)

Gene: IFI16 (interferon gamma inducible protein 16; plus strand). Cytogenetic location: 1q23.1.
Variant type: single nucleotide variant.
Coding change: c.2335A>T on transcript NM_001376587.1 (MANE Select); coding-DNA position 2335, A replaced by T.
Protein change: p.Thr779Ser; replaces threonine 779 with serine.
Molecular consequence: missense variant.
Genome position (GRCh38, 1-based): chr1:159,054,878, A>T. VCF-style: chr1-159054878-A-T. GRCh37 (hg19) VCF-style: chr1-159024668-A-T.
Other names: c.2167A>T, p.Thr723Ser (NM_001206567.2, NM_001376588.1, NM_001376589.1 and 1 more transcripts); c.2335A>T, p.Thr779Ser (NM_001364867.2); c.1999A>T, p.Thr667Ser (NM_001376591.1, NM_001376592.1); short protein forms T667S, T723S, T779S.
Identifiers: ClinVar variation 1230050 (VCV001230050.4), dbSNP rs6940, ClinGen allele CA1186879.
Genomic context (GRCh38, chr1:159,054,878, plus strand): 5'-AAGGTCATCAAGACCAGGAAAAACAAGAAAGACATACTCAATCCTGATTCAAGTATGGAA[A>T]CTTCACCAGACTTTTTCTTCTAAAATCTGGATGTCATTGACGATAATGTTTATGGAGATA-3'
Protein context (NP_001363516.1, residues 769-785): DILNPDSSME[Thr779Ser]SPDFFF